The following is an entry in ClinVar:

NM_006044.4(HDAC6):c.2993C>A (p.Ala998Asp)

Gene: HDAC6 (histone deacetylase 6; plus strand). Cytogenetic location: Xp11.23.
Variant type: single nucleotide variant.
Coding change: c.2993C>A on transcript NM_006044.4 (MANE Select); coding-DNA position 2993, C replaced by A.
Protein change: p.Ala998Asp; replaces alanine 998 with aspartic acid.
Molecular consequence: missense variant. On other transcripts: non-coding transcript variant (1).
Genome position (GRCh38, 1-based): chrX:48,823,392, C>A. VCF-style: chrX-48823392-C-A. GRCh37 (hg19) VCF-style: chrX-48681802-C-A.
Other names: c.3035C>A, p.Ala1012Asp (NM_001321225.2); c.2993C>A, p.Ala998Asp (NM_001321226.2, NM_001321227.2, NM_001321228.2 and 1 more transcripts); short protein forms A1012D, A998D.
Identifiers: ClinVar variation 4853523 (VCV004853523.1).
Genomic context (GRCh38, chrX:48,823,392, plus strand): 5'-AGACTACCTCAGAGGAGGCTGTAGGAGGAGCTACACTGGCCCAGACCACCTCGGAGGCAG[C>A]CATGGAGGGAGCCACACTGGACCAGACTACGTCAGAGGAGGCTCCAGGGGGCACCGAGCT-3'
Protein context (NP_006035.2, residues 988-1008): ATLAQTTSEA[Ala998Asp]MEGATLDQTT

ClinVar aggregate classification (germline): Uncertain significance (1 of 4 stars; one submission).

Submission:

Women's Health and Genetics/Laboratory Corporation of America, LabCorp
Classification: Uncertain significance. Last evaluated: 2026-05-06. Review status: criteria provided, single submitter. Criteria: LabCorp Variant Classification Summary - May 2015. Collection method: clinical testing. Allele origin: germline.
Comment: Variant summary: HDAC6 c.2993C>A (p.Ala998Asp) results in a non-conservative amino acid change in the encoded protein sequence. Algorithms developed to predict the effect of missense changes on protein structure and function are either unavailable or do not agree on the potential impact of this missense change. The frequency data for this variant in gnomAD is considered unreliable, as metrics indicate poor data quality at this position. To our knowledge, no occurrence of c.2993C>A in individuals affected with HDAC6-related conditions and no experimental evidence demonstrating its impact on protein function have been reported. No submitters have cited clinical-significance assessments for this variant to ClinVar. Based on the evidence outlined above, the variant was classified as uncertain significance.